The following is an entry in ClinVar:

ClinVar aggregate classification (germline): Likely benign (1 of 4 stars; one submission).

Submission:

CeGaT Center for Human Genetics Tuebingen
Classification: Likely benign. Last evaluated: 2024-07-01. Review status: criteria provided, single submitter. Criteria: CeGaT Center For Human Genetics Tuebingen Variant Classification Criteria Version 2. Collection method: clinical testing. Allele origin: germline. Affected: yes. Observed: 3 variant alleles.
Comment: FXN: BP4, BP7

NM_000144.5(FXN):c.93A>C (p.Ala31=)

Genes: FXN (frataxin; plus strand), LOC130001862 (ATAC-STARR-seq lymphoblastoid silent region 19931; plus strand). Cytogenetic location: 9q21.11.
Variant type: single nucleotide variant.
Coding change: c.93A>C on transcript NM_000144.5 (MANE Select); coding-DNA position 93, A replaced by C.
Protein change: p.Ala31=; no amino-acid change (alanine 31 retained).
Molecular consequence: synonymous variant.
Genome position (GRCh38, 1-based): chr9:69,035,875, A>C. VCF-style: chr9-69035875-A-C. GRCh37 (hg19) VCF-style: chr9-71650791-A-C.
Other names: c.93A>C, p.Ala31= (NM_181425.3).
Identifiers: ClinVar variation 3250670 (VCV003250670.18), dbSNP rs2133086878.
Genomic context (GRCh38, chr9:69,035,875, plus strand): 5'-CCTCCTGGCGTCACCCAGCCCAGCCCAGGCCCAGACCCTCACCCGGGTCCCGCGGCCGGC[A>C]GAGTTGGCCCCACTCTGCGGCCGCCGTGGCCTGCGCACCGACATCGATGCGACCTGCACG-3'
Protein context (NP_000135.2, residues 21-41): AQTLTRVPRP[Ala31=]ELAPLCGRRG